The following is an entry in ClinVar:

NM_153816.6(SNX14):c.1608+1G>A

Gene: SNX14 (sorting nexin 14; minus strand). Cytogenetic location: 6q14.3.
Variant type: single nucleotide variant.
Coding change: c.1608+1G>A on transcript NM_153816.6 (MANE Select); the canonical splice donor site of the intron after coding-DNA position 1608, G replaced by A.
Molecular consequence: splice donor variant.
Genome position (GRCh38, 1-based): chr6:85,536,791, C>T on the plus strand (G>A on the coding strand, the complement: SNX14 is on the minus strand). VCF-style: chr6-85536791-C-T. GRCh37 (hg19) VCF-style: chr6-86246509-C-T.
Other names: NC_000006.11:g.86246509C>T; c.1317+1G>A (NM_001350543.2); c.1449+1G>A (NM_001350539.2, NM_020468.6); c.1320+1G>A (NM_001350542.2); c.1164+1G>A (NM_001350546.2, NM_001350545.2); c.558+1G>A (NM_001350547.2); c.1308+1G>A (NM_001350544.2); c.426+1G>A (NM_001350553.2); and 10 more.
Identifiers: ClinVar variation 4330619 (VCV004330619.3).

ClinVar aggregate classification (germline): Likely pathogenic (1 of 4 stars; one submission).

Submissions (2):

Dasa
Classification: Likely pathogenic. Last evaluated: 2025-12-20. Review status: criteria provided, single submitter. Criteria: DASA Assertion Criteria. Collection method: clinical testing. Allele origin: germline.
Comment: NM_153816.6(SNX14):c.1608+1G>A affects a canonical splice site and is predicted to disrupt normal RNA splicing. Loss of function is an established disease mechanism for SNX14-associated disorders. Also, this variant is rare in population databases. Based on the currently available evidence, this variant is classified as likely pathogenic.

Dr. Peter K. Rogan Lab, Western University
No classification provided (evidence only). Condition: Thyroid cancer, nonmedullary, 1. Review status: no classification provided. Collection method: in vitro. Allele origin: not applicable. Functional consequence: retained intron. Not counted in ClinVar's aggregate classification.